The following is an entry in ClinVar:

NM_001378454.1(ALMS1):c.1151G>A (p.Arg384Lys)

Gene: ALMS1 (ALMS1 centrosome and basal body associated protein; plus strand). Cytogenetic location: 2p13.1.
Variant type: single nucleotide variant.
Coding change: c.1151G>A on transcript NM_001378454.1 (MANE Select); coding-DNA position 1151, G replaced by A.
Protein change: p.Arg384Lys; replaces arginine 384 with lysine.
Molecular consequence: missense variant.
Genome position (GRCh38, 1-based): chr2:73,424,816, G>A. VCF-style: chr2-73424816-G-A. GRCh37 (hg19) VCF-style: chr2-73651944-G-A.
Other names: c.1154G>A, p.Arg385Lys (NM_015120.4); short protein forms R384K, R385K.
Identifiers: ClinVar variation 3031948 (VCV003031948.1), dbSNP rs1028288515, ClinGen allele CA347261601.

ClinVar aggregate classification (germline): Uncertain significance (1 of 4 stars; one submission).

Conditions:
ALMS1-related disorder. Also called: ALMS1-related condition.

gnomAD v4.1: 1 of 1,610,116 alleles (0.000062%); highest among the groups gnomAD compares: Non-Finnish European, 0.000085%; no homozygotes.

Submission:

PreventionGenetics, part of Exact Sciences
Classification: Uncertain significance for ALMS1-related condition. Last evaluated: 2023-12-06. Review status: criteria provided, single submitter. Criteria: ACMG Guidelines, 2015. Collection method: clinical testing. Allele origin: germline.
Comment: The ALMS1 c.1154G>A variant is predicted to result in the amino acid substitution p.Ser385Asn. To our knowledge, this variant has not been reported in the literature. This variant is reported in 0.0055% of alleles in individuals of European (Non-Finnish) descent in gnomAD. At this time, the clinical significance of this variant is uncertain due to the absence of conclusive functional and genetic evidence.